The following is an entry in ClinVar:

ClinVar aggregate classification (germline): Likely pathogenic (1 of 4 stars; one submission).

Conditions:
Epidermolysis bullosa dystrophica. Also called: Dystrophic epidermolysis bullosa, Hallopeau-Siemens type (formerly); Dystrophic epidermolysis bullosa. Identifiers: Orphanet 303, MedGen C0079294, MONDO:0006543.

Submission:

Natera, Inc.
Classification: Likely pathogenic for Dystrophic epidermolysis bullosa. Last evaluated: 2024-08-14. Review status: criteria provided, single submitter. Criteria: Natera Variant Classification Schema (03/2026). Collection method: clinical testing. Allele origin: germline.
Comment: The c.6832-1G>C variant in COL7A1 is a canonical splice acceptor site variant predicted to affect pre-mRNA splicing, which may result in an abnormal transcript and altered protein product. This variant is expected to result in nonsense mediated decay, truncation, or a dysfunctional protein product. This variant is rare in the general population with a frequency below the threshold expected for the associated phenotype(s). This variant has been observed in one or more individuals affected with the associated recessive disease, as either homozygous or compound heterozygous with a second variant (PMID: 34543471). Given the available evidence, this variant is classified as Likely Pathogenic.

Literature cited by the submitters: PubMed 34543471.

NM_000094.4(COL7A1):c.6832-1G>C

Gene: COL7A1 (collagen type VII alpha 1 chain; minus strand). Cytogenetic location: 3p21.31.
Variant type: single nucleotide variant.
Coding change: c.6832-1G>C on transcript NM_000094.4 (MANE Select); the canonical splice acceptor site of the intron before coding-DNA position 6832, G replaced by C.
Molecular consequence: splice acceptor variant.
Genome position (GRCh38, 1-based): chr3:48,572,740, C>G on the plus strand (G>C on the coding strand, the complement: COL7A1 is on the minus strand). VCF-style: chr3-48572740-C-G. GRCh37 (hg19) VCF-style: chr3-48610173-C-G.
Identifiers: ClinVar variation 4817396 (VCV004817396.1).